The following is an entry in ClinVar:

NM_001035.3(RYR2):c.14809-8T>G

Gene: RYR2 (ryanodine receptor 2; plus strand). Cytogenetic location: 1q43.
Variant type: single nucleotide variant.
Coding change: c.14809-8T>G on transcript NM_001035.3 (MANE Select); 8 bases into the intron before coding-DNA position 14809, T replaced by G.
Molecular consequence: intron variant.
Genome position (GRCh38, 1-based): chr1:237,832,544, T>G. VCF-style: chr1-237832544-T-G. GRCh37 (hg19) VCF-style: chr1-237995844-T-G.
Identifiers: ClinVar variation 2774428 (VCV002774428.2), dbSNP rs2528506275, ClinGen allele CA2697547709.

ClinVar aggregate classification (germline): Uncertain significance (1 of 4 stars; one submission).

Conditions:
Cardiomyopathy (CMYO). Also called: Cardiomyopathies. Identifiers: Orphanet 167848, MedGen C0878544, MONDO:0004994, HP:0001638. Inheritance: Various modes of inheritance.

Submission:

Color Diagnostics, LLC DBA Color Health
Classification: Uncertain significance for Cardiomyopathy. Last evaluated: 2023-11-08. Review status: criteria provided, single submitter. Criteria: ACMG Guidelines, 2015. Collection method: clinical testing. Allele origin: germline.
Comment: This variant causes a T to G nucleotide substitution at the -8 position of intron 104/104 of the RYR2 gene. To our knowledge, functional studies have not been reported for this variant. This variant has not been reported in individuals affected with RYR2-related disorders in the literature. This variant has not been identified in the general population by the Genome Aggregation Database (gnomAD). The available evidence is insufficient to determine the role of this variant in disease conclusively. Therefore, this variant is classified as a Variant of Uncertain Significance.